The following is an entry in ClinVar:

NM_000100.4(CSTB):c.146C>T (p.Ala49Val)

Gene: CSTB (cystatin B; minus strand). Cytogenetic location: 21q22.3.
Variant type: single nucleotide variant.
Coding change: c.146C>T on transcript NM_000100.4 (MANE Select); coding-DNA position 146, C replaced by T.
Protein change: p.Ala49Val; replaces alanine 49 with valine.
Molecular consequence: missense variant.
Genome position (GRCh38, 1-based): chr21:43,774,680, G>A on the plus strand (C>T on the coding strand, the complement: CSTB is on the minus strand). VCF-style: chr21-43774680-G-A. GRCh37 (hg19) VCF-style: chr21-45194561-G-A.
Other names: p.A49V:GCG>GTG; short protein forms A49V.
Identifiers: ClinVar variation 205326 (VCV000205326.2), dbSNP rs754421704, ClinGen allele CA314289.

ClinVar aggregate classification (germline): Uncertain significance (1 of 4 stars; one submission).

Allele frequency attached by ClinVar (database versions not stated): TOPMed below 0.00001; gnomAD 0.00001.

Submission:

GeneDx
Classification: Uncertain significance. Last evaluated: 2018-03-27. Review status: criteria provided, single submitter. Criteria: GeneDx Variant Classification (06012015). Collection method: clinical testing. Allele origin: germline. Affected: yes.
Comment: p.Ala49Val (GCG>GTG): c.146 C>T in exon 2 of the CSTB gene (NM_000100.2). The A49V variant has not been published as a mutation, nor has it been reported as a benign polymorphism to our knowledge. It was not observed in approximately 6,500 individuals of European and African American ancestry in the NHLBI Exome Sequencing Project, indicating it is not a common benign variant in these populations. This substitution occurs at a position that is conserved in mammals, and in silico analysis predicts this variant is probably damaging to the protein structure/function. A nearby missense mutation (G50E) has been reported in association with progressive myoclonic epilepsy, supporting the functional importance of this region of the protein. However, the A49V variant is a conservative amino acid substitution, which is not likely to impact secondary protein structure as these residues share similar properties. Therefore, based on the currently available information, it is unclear whether this variant is a pathogenic mutation or a rare benign variant. The variant is found in EPILEPSY panel(s).